The following is an entry in ClinVar:

NM_001386298.1(CIC):c.2795-2050G>C

Gene: CIC (capicua transcriptional repressor; plus strand). Cytogenetic location: 19q13.2.
Variant type: single nucleotide variant.
Coding change: c.2795-2050G>C on transcript NM_001386298.1 (MANE Select); 2050 bases into the intron before coding-DNA position 2795, G replaced by C.
Molecular consequence: intron variant. On other transcripts: missense variant (3).
Genome position (GRCh38, 1-based): chr19:42,284,721, G>C. VCF-style: chr19-42284721-G-C. GRCh37 (hg19) VCF-style: chr19-42788873-G-C.
Other names: c.17G>C, p.Arg6Thr (NM_001379484.1, NM_001379485.1, NM_015125.5); c.2795-2050G>C (NM_001304815.2, NM_001379482.1, NM_001379480.1); short protein forms R6T.
Identifiers: ClinVar variation 3768635 (VCV003768635.1).

ClinVar aggregate classification (germline): Uncertain significance (1 of 4 stars; one submission).

gnomAD v4.1: 4 of 1,554,612 alleles (0.00026%); highest among the groups gnomAD compares: Non-Finnish European, 0.00026%; no homozygotes.

Submission:

Women's Health and Genetics/Laboratory Corporation of America, LabCorp
Classification: Uncertain significance. Last evaluated: 2025-02-26. Review status: criteria provided, single submitter. Criteria: LabCorp Variant Classification Summary - May 2015. Collection method: clinical testing. Allele origin: germline.
Comment: Variant summary: CIC c.17G>C (p.Arg6Thr) results in a non-conservative amino acid change in the encoded protein sequence. Four of five in-silico tools predict a benign effect of the variant on protein function. The variant allele was found at a frequency of 6.5e-06 in 154704 control chromosomes (gnomAD). The available data on variant occurrences in the general population are insufficient to allow any conclusion about variant significance. To our knowledge, no occurrence of c.17G>C in individuals affected with Mental Retardation, Autosomal Dominant 45 and no experimental evidence demonstrating its impact on protein function have been reported. No submitters have cited clinical-significance assessments for this variant to ClinVar. Based on the evidence outlined above, the variant was classified as uncertain significance.